The following is an entry in ClinVar:

NM_198525.3(KIF7):c.1288C>T (p.Pro430Ser)

Gene: KIF7 (kinesin family member 7; minus strand). Cytogenetic location: 15q26.1.
Variant type: single nucleotide variant.
Coding change: c.1288C>T on transcript NM_198525.3 (MANE Select); coding-DNA position 1288, C replaced by T.
Protein change: p.Pro430Ser; replaces proline 430 with serine.
Molecular consequence: missense variant.
Genome position (GRCh38, 1-based): chr15:89,648,410, G>A on the plus strand (C>T on the coding strand, the complement: KIF7 is on the minus strand). VCF-style: chr15-89648410-G-A. GRCh37 (hg19) VCF-style: chr15-90191641-G-A.
Other names: short protein forms P430S.
Identifiers: ClinVar variation 1477352 (VCV001477352.8), dbSNP rs1368352498, ClinGen allele CA393771360.

ClinVar aggregate classification (germline): Uncertain significance (1 of 4 stars; one submission).

Conditions:
Acrocallosal syndrome (ACLS). Also called: HALLUX DUPLICATION, POSTAXIAL POLYDACTYLY, AND ABSENCE OF CORPUS CALLOSUM; Schinzel syndrome 1; Absence of corpus callosum with unusual facial appearance, mental deficiency, duplication of the halluces and polydactyly. Identifiers: Orphanet 36, MedGen C0796147, MONDO:0008708, OMIM 200990.

gnomAD v4.1: 4 of 1,134,298 alleles (0.00035%); highest among the groups gnomAD compares: Non-Finnish European, 0.00043%; no homozygotes.

Submission:

Labcorp Genetics (formerly Invitae), Labcorp
Classification: Uncertain significance for Acrocallosal syndrome. Last evaluated: 2024-02-23. Review status: criteria provided, single submitter. Criteria: Invitae Variant Classification Sherloc (09022015). Collection method: clinical testing. Allele origin: germline.
Comment: This sequence change replaces proline, which is neutral and non-polar, with serine, which is neutral and polar, at codon 430 of the KIF7 protein (p.Pro430Ser). This variant is not present in population databases (gnomAD no frequency). This variant has not been reported in the literature in individuals affected with KIF7-related conditions. ClinVar contains an entry for this variant (Variation ID: 1477352). Advanced modeling of protein sequence and biophysical properties (such as structural, functional, and spatial information, amino acid conservation, physicochemical variation, residue mobility, and thermodynamic stability) performed at Invitae indicates that this missense variant is not expected to disrupt KIF7 protein function with a negative predictive value of 80%. In summary, the available evidence is currently insufficient to determine the role of this variant in disease. Therefore, it has been classified as a Variant of Uncertain Significance.